The following is an entry in ClinVar:

ClinVar aggregate classification (germline): Pathogenic. Review status: criteria provided, multiple submitters, no conflicts (2 of 4 stars). 2 submissions from 2 submitters: Pathogenic (2). Last evaluated 2025-11-25.

Conditions:
Hereditary insensitivity to pain with anhidrosis (CIPA). Also called: FAMILIAL DYSAUTONOMIA, TYPE II; NEUROPATHY, CONGENITAL SENSORY, WITH ANHIDROSIS; HSAN Type IV; NTRK1 Congenital Insensitivity to Pain with Anhidrosis; INSENSITIVITY TO PAIN, CONGENITAL, WITH ANHIDROSIS; hereditary sensory and autonomic neuropathy type 4. Identifiers: Orphanet 642, MedGen C0020074, MONDO:0009746, OMIM 256800.

Allele frequency attached by ClinVar (database versions not stated): gnomAD exomes below 0.00001; TOPMed below 0.00001; ExAC 0.00001.

Submissions (2):

Natera, Inc.
Classification: Pathogenic for Hereditary insensitivity to pain with anhidrosis. Last evaluated: 2025-11-25. Review status: criteria provided, single submitter. Criteria: Natera Variant Classification Schema (03/2026). Collection method: clinical testing. Allele origin: germline.
Comment: The c.1859dupA variant in NTRK1 is a frameshift variant predicted to shift the reading frame beginning at codon 621 and leads to a stop codon 6 codons downstream. This variant is expected to result in nonsense mediated decay, truncation, or a dysfunctional protein product. This variant is rare in the general population with a frequency below the threshold expected for the associated phenotype(s). This variant has been observed in one or more individuals affected with the associated recessive disease, as either homozygous or compound heterozygous with a second variant (PMID: 16373086). Given the available evidence, this variant is classified as Pathogenic.

Labcorp Genetics (formerly Invitae), Labcorp
Classification: Pathogenic for Hereditary insensitivity to pain with anhidrosis. Last evaluated: 2020-03-22. Review status: criteria provided, single submitter. Criteria: Invitae Variant Classification Sherloc (09022015). Collection method: clinical testing. Allele origin: germline.
Comment: This sequence change creates a premature translational stop signal (p.Leu621Alafs*6) in the NTRK1 gene. It is expected to result in an absent or disrupted protein product. For these reasons, this variant has been classified as Pathogenic. Loss-of-function variants in NTRK1 are known to be pathogenic (PMID: 10982191). This variant has been observed in individual(s) with hereditary sensory neuropathy (PMID: 16373086). This variant is also known as c.1877_1878insA (p.Gln626fsX6) in the literature. The frequency data for this variant in the population databases is considered unreliable, as metrics indicate poor data quality at this position in the ExAC database.

Literature cited by the submitters: PubMed 16373086 (cited by Natera, Inc. and Labcorp Genetics (formerly Invitae), Labcorp); PubMed 10982191 (cited by Labcorp Genetics (formerly Invitae), Labcorp).

NM_002529.4(NTRK1):c.1877dup (p.Leu627fs)

Gene: NTRK1 (neurotrophic receptor tyrosine kinase 1; plus strand). Cytogenetic location: 1q23.1.
Variant type: Duplication.
Coding change: c.1877dup on transcript NM_002529.4 (MANE Select); coding-DNA position 1877, one base duplicated (A; older notation c.1877dupA).
Protein change: p.Leu627fs; shifts the reading frame from leucine 627.
Molecular consequence: frameshift variant.
Genome position (GRCh38, 1-based): chr1:156,879,193, A duplicated. VCF-style (leftmost placement, unchanged base first): chr1-156879192-C-CA. GRCh37 (hg19) VCF-style: chr1-156848984-C-CA.
Other names: c.1769dup, p.Leu591fs (NM_001007792.1); c.1859dup, p.Leu621fs (NM_001012331.2); c.1859dupA (NM_001012331.1); short protein forms L591fs, L621fs, L627fs.
Identifiers: ClinVar variation 1070409 (VCV001070409.13), dbSNP rs774533432, ClinGen allele CA1169506.